The following is an entry in ClinVar:

ClinVar aggregate classification (germline): Uncertain significance. Review status: criteria provided, multiple submitters, no conflicts (2 of 4 stars). 4 submissions from 4 submitters: Uncertain significance (3). 1 of the submissions does not count toward it. Last evaluated 2022-08-19.

Conditions:
GNPTG-mucolipidosis. Also called: ML III GAMMA; ML IIIC; Mucolipidosis type III gamma; MUCOLIPIDOSIS III, COMPLEMENTATION GROUP C; MUCOLIPIDOSIS III, IRANIAN VARIANT FORM; MUCOLIPIDOSIS III, VARIANT FORM. Identifiers: Orphanet 423470, Orphanet 577, MedGen C1854896, MONDO:0009652, OMIM 252605.

Allele frequency attached by ClinVar (database versions not stated): TOPMed 0.00007; ESP Exome Variant Server 0.00008.
gnomAD v4.1: 161 of 1,613,360 alleles (0.01%); highest among the groups gnomAD compares: Admixed American, 0.033%; no homozygotes.

Submissions (4):

Labcorp Genetics (formerly Invitae), Labcorp
Classification: Uncertain significance. Last evaluated: 2022-08-19. Review status: criteria provided, single submitter. Criteria: Invitae Variant Classification Sherloc (09022015). Collection method: clinical testing. Allele origin: germline.
Comment: This sequence change replaces alanine, which is neutral and non-polar, with glutamic acid, which is acidic and polar, at codon 160 of the GNPTG protein (p.Ala160Glu). This variant is present in population databases (rs374470431, gnomAD 0.02%). This variant has not been reported in the literature in individuals affected with GNPTG-related conditions. ClinVar contains an entry for this variant (Variation ID: 887093). Algorithms developed to predict the effect of missense changes on protein structure and function (SIFT, PolyPhen-2, Align-GVGD) all suggest that this variant is likely to be tolerated. In summary, the available evidence is currently insufficient to determine the role of this variant in disease. Therefore, it has been classified as a Variant of Uncertain Significance.

Genome-Nilou Lab
Classification: Uncertain significance for GNPTG-mucolipidosis. Last evaluated: 2021-11-07. Review status: criteria provided, single submitter. Criteria: ACMG Guidelines, 2015. Collection method: clinical testing. Allele origin: germline. Affected: no.

Illumina Laboratory Services, Illumina
Classification: Uncertain significance for GNPTG-mucolipidosis. Last evaluated: 2017-04-27. Review status: criteria provided, single submitter. Criteria: ICSL Variant Classification Criteria 13 December 2019. Collection method: clinical testing. Allele origin: germline.

Natera, Inc.
Classification: Uncertain significance for Mucolipidosis III gamma. Last evaluated: 2020-02-26. Review status: no assertion criteria provided. Collection method: clinical testing. Allele origin: germline. Not counted in ClinVar's aggregate classification.

NM_032520.5(GNPTG):c.479C>A (p.Ala160Glu)

Gene: GNPTG (N-acetylglucosamine-1-phosphate transferase subunit gamma; plus strand). Cytogenetic location: 16p13.3.
Variant type: single nucleotide variant.
Coding change: c.479C>A on transcript NM_032520.5 (MANE Select); coding-DNA position 479, C replaced by A.
Protein change: p.Ala160Glu; replaces alanine 160 with glutamic acid.
Molecular consequence: missense variant.
Genome position (GRCh38, 1-based): chr16:1,362,273, C>A. VCF-style: chr16-1362273-C-A. GRCh37 (hg19) VCF-style: chr16-1412274-C-A.
Other names: short protein forms A160E.
Identifiers: ClinVar variation 887093 (VCV000887093.12), dbSNP rs374470431, ClinGen allele CA7807722.